The following is an entry in ClinVar:

NM_025103.4(IFT74):c.902C>T (p.Pro301Leu)

Gene: IFT74 (intraflagellar transport 74; plus strand). Cytogenetic location: 9p21.2.
Variant type: single nucleotide variant.
Coding change: c.902C>T on transcript NM_025103.4 (MANE Select); coding-DNA position 902, C replaced by T.
Protein change: p.Pro301Leu; replaces proline 301 with leucine.
Molecular consequence: missense variant.
Genome position (GRCh38, 1-based): chr9:27,017,019, C>T. VCF-style: chr9-27017019-C-T. GRCh37 (hg19) VCF-style: chr9-27017017-C-T.
Other names: c.902C>T (NM_025103.2, NM_001099222.1); c.902C>T, p.Pro301Leu (NM_001099222.3, NM_001099223.3, NM_001099224.3 and 1 more transcripts); short protein forms P301L.
Identifiers: ClinVar variation 1401716 (VCV001401716.10), dbSNP rs78753648, ClinGen allele CA5015428.

ClinVar aggregate classification (germline): Uncertain significance. Review status: criteria provided, multiple submitters, no conflicts (2 of 4 stars). 5 submissions from 5 submitters: Uncertain significance (5). Last evaluated 2026-06-24.

Conditions:
IFT74-related disorder. Also called: IFT74-Related Disorders; IFT74-related condition.
Spermatogenic failure 58. Identifiers: MedGen C5562008, MONDO:0030463, OMIM 619585.
Joubert syndrome 40. Identifiers: MedGen C5562007, MONDO:0030462, OMIM 619582.
Inborn genetic diseases. Identifiers: MedGen C0950123, MeSH D030342.

Allele frequency attached by ClinVar (database versions not stated): gnomAD 0.00052; 1000 Genomes Project 0.00040; gnomAD exomes 0.00093 and 0.00059; 1000 Genomes Project 30x 0.00031; ESP Exome Variant Server 0.00093; ExAC 0.00056; TOPMed 0.00064.
gnomAD v4.1: 1,422 of 1,604,926 alleles (0.089%); highest among the groups gnomAD compares: Non-Finnish European, 0.11%; 1 homozygote.

Submissions (5):

PreventionGenetics, part of Exact Sciences
Classification: Uncertain significance for IFT74-related condition. Last evaluated: 2026-06-24. Review status: criteria provided, single submitter. Criteria: ACMG Guidelines, 2015. Collection method: clinical testing. Allele origin: germline.
Comment: The IFT74 c.902C>T variant is predicted to result in the amino acid substitution p.Pro301Leu. To our knowledge, this variant has not been reported in the literature. This variant is reported in 0.098% of alleles in individuals of Ashkenazi Jewish descent in gnomAD, which may be too frequent to be a primary cause of disease. Although we suspect that this variant may be benign, the clinical significance of this variant is currently classified as uncertain due to the absence of conclusive functional and genetic evidence.

GeneDx
Classification: Uncertain significance. Last evaluated: 2026-04-24. Review status: criteria provided, single submitter. Criteria: GeneDx Variant Classification Process June 2021. Collection method: clinical testing. Allele origin: germline.
Comment: In silico analysis supports that this missense variant has a deleterious effect on protein structure/function; Has not been previously published as pathogenic or benign to our knowledge

Labcorp Genetics (formerly Invitae), Labcorp
Classification: Uncertain significance. Last evaluated: 2022-10-24. Review status: criteria provided, single submitter. Criteria: Invitae Variant Classification Sherloc (09022015). Collection method: clinical testing. Allele origin: germline.
Comment: This sequence change replaces proline, which is neutral and non-polar, with leucine, which is neutral and non-polar, at codon 301 of the IFT74 protein (p.Pro301Leu). This variant is present in population databases (rs78753648, gnomAD 0.1%), and has an allele count higher than expected for a pathogenic variant. This variant has not been reported in the literature in individuals affected with IFT74-related conditions. ClinVar contains an entry for this variant (Variation ID: 1401716). Algorithms developed to predict the effect of missense changes on protein structure and function (SIFT, PolyPhen-2, Align-GVGD) all suggest that this variant is likely to be disruptive. In summary, the available evidence is currently insufficient to determine the role of this variant in disease. Therefore, it has been classified as a Variant of Uncertain Significance.

New York Genome Center
Classification: Uncertain significance for Joubert syndrome 40; Spermatogenic failure 58. Last evaluated: 2021-11-17. Review status: criteria provided, single submitter. Criteria: NYGC Assertion Criteria 2020. Collection method: clinical testing. Allele origin: germline. Observed: 1 heterozygote.

Ambry Genetics
Classification: Uncertain significance for Inborn genetic diseases. Last evaluated: 2021-06-18. Review status: criteria provided, single submitter. Criteria: Ambry Variant Classification Scheme 2023. Collection method: clinical testing. Allele origin: germline.